The following is an entry in ClinVar:

NM_000133.4(F9):c.374G>A (p.Gly125Glu)

Gene: F9 (coagulation factor IX; plus strand). Cytogenetic location: Xq27.1.
Variant type: single nucleotide variant.
Coding change: c.374G>A on transcript NM_000133.4 (MANE Select); coding-DNA position 374, G replaced by A.
Protein change: p.Gly125Glu; replaces glycine 125 with glutamic acid.
Molecular consequence: missense variant. On other transcripts: intron variant (1).
Genome position (GRCh38, 1-based): chrX:139,541,172, G>A. VCF-style: chrX-139541172-G-A. GRCh37 (hg19) VCF-style: chrX-138623331-G-A.
Other names: c.277+3786G>A (NM_001313913.2); short protein forms G125E.
Identifiers: ClinVar variation 2573371 (VCV002573371.1), dbSNP rs2520763490, ClinGen allele CA414437883.

ClinVar aggregate classification (germline): Uncertain significance (1 of 4 stars; one submission).

Submission:

Women's Health and Genetics/Laboratory Corporation of America, LabCorp
Classification: Uncertain significance. Last evaluated: 2023-06-01. Review status: criteria provided, single submitter. Criteria: LabCorp Variant Classification Summary - May 2015. Collection method: clinical testing. Allele origin: germline.
Comment: Variant summary: F9 c.374G>A (p.Gly125Glu) results in a non-conservative amino acid change located in the EGF-like domain (IPR000742) of the encoded protein sequence. Five of five in-silico tools predict a damaging effect of the variant on protein function. The variant was absent in 182859 control chromosomes. c.374G>A has been reported in the literature in individuals affected with Factor IX Deficiency (Hemophilia B) (examples: Montejo_1999, Wang_2016). These data indicate that the variant may be associated with disease. To our knowledge, no experimental evidence demonstrating an impact on protein function has been reported. The following publications have been ascertained in the context of this evaluation (PMID: 10094553, 27109384). No clinical diagnostic laboratories have submitted clinical-significance assessments for this variant to ClinVar after 2014. Based on the evidence outlined above, the variant was classified as VUS-possibly pathogenic.

Literature cited by the submitters: PubMed 10094553; PubMed 27109384.